The following is an entry in ClinVar:

NM_007294.4(BRCA1):c.1571C>T (p.Ala524Val)

Gene: BRCA1 (BRCA1 DNA repair associated; minus strand). Cytogenetic location: 17q21.31.
Variant type: single nucleotide variant.
Coding change: c.1571C>T on transcript NM_007294.4 (MANE Select); coding-DNA position 1571, C replaced by T.
Protein change: p.Ala524Val; replaces alanine 524 with valine.
Molecular consequence: missense variant. On other transcripts: intron variant (137).
Genome position (GRCh38, 1-based): chr17:43,093,960, G>A on the plus strand (C>T on the coding strand, the complement: BRCA1 is on the minus strand). VCF-style: chr17-43093960-G-A. GRCh37 (hg19) VCF-style: chr17-41245977-G-A.
Other names: p.Ala524Val; c.1571C>T, p.Ala524Val (NM_001407641.1, NM_001407642.1, NM_001407652.1 and 30 more transcripts); c.1568C>T, p.Ala523Val (NM_001407644.1, NM_001407645.1, NM_001407860.1 and 22 more transcripts); c.1562C>T, p.Ala521Val (NM_001407646.1, NM_001407647.1); c.1448C>T, p.Ala483Val (NM_001407648.1, NM_001407664.1, NM_001407665.1 and 19 more transcripts); c.1445C>T, p.Ala482Val (NM_001407649.1, NM_001407670.1, NM_001407671.1 and 11 more transcripts); c.1493C>T, p.Ala498Val (NM_001407653.1, NM_001407654.1, NM_001407655.1 and 4 more transcripts); c.1490C>T, p.Ala497Val (NM_001407659.1, NM_001407660.1, NM_001407661.1 and 1 more transcripts); and 41 more; short protein forms A524V, A477V, A456V, A228V, A356V, A396V, A436V, A453V.
Identifiers: ClinVar variation 54297 (VCV000054297.38), dbSNP rs80357333, ClinGen allele CA001052.

ClinVar aggregate classification (germline): Conflicting classifications of pathogenicity. Review status: criteria provided, conflicting classifications (1 of 4 stars). 13 submissions from 13 submitters: Uncertain significance (8); Likely benign (2). 3 of the submissions do not count toward it. Last evaluated 2025-12-10.

Conditions:
BRCA1-related cancer predisposition. Identifiers: MedGen CN377757, MONDO:0700268.
Hereditary cancer-predisposing syndrome. Also called: Tumor predisposition; Neoplastic Syndromes, Hereditary; Hereditary Cancer Syndrome; Hereditary neoplastic syndrome. Identifiers: Orphanet 140162, MedGen C0027672, MeSH D009386, MONDO:0015356.
Hereditary breast ovarian cancer syndrome. Also called: Hereditary breast and ovarian cancer syndrome (HBOC); Hereditary breast and ovarian cancer syndrome; Hereditary breast and ovarian cancer; Hereditary breast and/or ovarian cancer syndrome; Breast and ovarian cancer; BRCA1- and BRCA2-Associated Hereditary Breast and Ovarian Cancer. Identifiers: Orphanet 145, MedGen C0677776, MeSH D061325, MONDO:0003582. Disease mechanism: loss of function.
Breast-ovarian cancer, familial, susceptibility to, 1 (BROVCA1). Also called: OVARIAN CANCER, SUSCEPTIBILITY TO; BRCA1 Hereditary Breast and Ovarian Cancer. Identifiers: Orphanet 145, MedGen C2676676, MONDO:0011450, OMIM 604370. Disease mechanism: loss of function.

Allele frequency attached by ClinVar (database versions not stated): gnomAD exomes below 0.00001; ExAC 0.00001; TOPMed 0.00003.
gnomAD v4.1: 5 of 1,613,596 alleles (0.00031%); highest among the groups gnomAD compares: Admixed American, 0.0017%; no homozygotes.

Submissions 1 to 7 of 13:

Labcorp Genetics (formerly Invitae), Labcorp
Classification: Uncertain significance for Hereditary breast ovarian cancer syndrome. Last evaluated: 2025-12-10. Review status: criteria provided, single submitter. Criteria: Invitae Variant Classification Sherloc (09022015). Collection method: clinical testing. Allele origin: germline.
Comment: This sequence change replaces alanine, which is neutral and non-polar, with valine, which is neutral and non-polar, at codon 524 of the BRCA1 protein (p.Ala524Val). The frequency data for this variant in the population databases is considered unreliable, as metrics indicate poor data quality at this position in the gnomAD database. This missense change has been observed in individual(s) with breast and/or ovarian cancer (PMID: 17453335, 18273839, 27498913). ClinVar contains an entry for this variant (Variation ID: 54297). Invitae Evidence Modeling of protein sequence and biophysical properties (such as structural, functional, and spatial information, amino acid conservation, physicochemical variation, residue mobility, and thermodynamic stability) indicates that this missense variant is not expected to disrupt BRCA1 protein function with a negative predictive value of 80%. In summary, the available evidence is currently insufficient to determine the role of this variant in disease. Therefore, it has been classified as a Variant of Uncertain Significance.

Women's Health and Genetics/Laboratory Corporation of America, LabCorp
Classification: Uncertain significance. Last evaluated: 2025-08-28. Review status: criteria provided, single submitter. Criteria: LabCorp Variant Classification Summary - May 2015. Collection method: clinical testing. Allele origin: germline.
Comment: Variant summary: BRCA1 c.1571C>T (p.Ala524Val) results in a non-conservative amino acid change in the encoded protein sequence. Algorithms developed to predict the effect of missense changes on protein structure and function are either unavailable or do not agree on the potential impact of this missense change. The variant allele was found at a frequency of 4e-06 in 250194 control chromosomes. The available data on variant occurrences in the general population are insufficient to allow any conclusion about variant significance. c.1571C>T has been observed in individuals affected with personal and/or family history of Hereditary Breast And Ovarian Cancer Syndrome without strong evidence for causality (e.g. Judkins_2005, Konstantopoulou_2008, Anczukow_2008). These report(s) do not provide unequivocal conclusions about association of the variant with Hereditary Breast And Ovarian Cancer Syndrome. To our knowledge, no experimental evidence demonstrating an impact on protein function has been reported. The following publications have been ascertained in the context of this evaluation (PMID: 16267036, 17453335, 18273839). ClinVar contains an entry for this variant (Variation ID: 54297). Based on the evidence outlined above, the variant was classified as uncertain significance.

Quest Diagnostics Nichols Institute San Juan Capistrano
Classification: Uncertain significance. Last evaluated: 2025-08-22. Review status: criteria provided, single submitter. Criteria: Quest Diagnostics criteria. Collection method: clinical testing. Allele origin: unknown.
Comment: The BRCA1 c.1571C>T (p.Ala524Val) variant has been reported in the published literature in a family with hereditary breast and ovarian cancer (PMID: 17453335 (2008)). In a large-scale breast cancer association study, the variant was observed in an individual with breast cancer (PMID: 33471991 (2021), see also LOVD). This variant is described to be located in a region of the BRCA1 gene that is tolerant to missense sequence changes (PMID: 31911673 (2020)). The frequency of this variant in the general population (Genome Aggregation Database) is uninformative in the assessment of its pathogenicity. Analysis of this variant using bioinformatics tools for the prediction of the effect of amino acid changes on protein structure and function yielded conflicting predictions that this variant is benign or damaging. Based on the available information, we are unable to determine the clinical significance of this variant

Ambry Genetics
Classification: Uncertain significance for Hereditary cancer-predisposing syndrome. Last evaluated: 2025-03-19. Review status: criteria provided, single submitter. Criteria: Ambry Variant Classification Scheme 2023. Collection method: clinical testing. Allele origin: germline.
Comment: The p.A524V variant (also known as c.1571C>T), located in coding exon 9 of the BRCA1 gene, results from a C to T substitution at nucleotide position 1571. The alanine at codon 524 is replaced by valine, an amino acid with similar properties. This alteration has been reported in cohorts of Greek and French breast/ovarian cancer families (Konstantopoulou I et al, 2008 Feb;107:431-41; Anczuk&oacute;w O et al. Genes Chromosomes Cancer, 2008 May;47:418-26). This alteration has also been detected in an individual with sarcoma (Ballinger ML et al. Lancet Oncol, 2016 Sep;17:1261-71). This amino acid position is not well conserved in available vertebrate species. In addition, the in silico prediction for this alteration is inconclusive. Based on the available evidence, the clinical significance of this variant remains unclear.

Mayo Clinic Laboratories, Mayo Clinic
Classification: Likely benign. Last evaluated: 2025-02-10. Review status: criteria provided, single submitter. Criteria: ACMG Guidelines, 2015. Collection method: clinical testing. Allele origin: germline. Observed: 1 variant allele.
Comment: BP1_strong

All of Us Research Program, National Institutes of Health
Classification: Uncertain significance for BRCA1-related cancer predisposition. Last evaluated: 2024-07-20. Review status: criteria provided, single submitter. Criteria: ACMG Guidelines, 2015. Collection method: clinical testing. Allele origin: germline. Inheritance: Autosomal dominant inheritance. Observed: 7 variant alleles, 7 heterozygotes.
Comment: This missense variant replaces alanine with valine at codon 524 of the BRCA1 protein. Computational prediction is inconclusive regarding the impact of this variant on protein structure and function (internally defined REVEL score threshold 0.5 < inconclusive < 0.7, PMID: 27666373). To our knowledge, functional studies have not been reported for this variant. This variant has been reported in at least one individual affected with breast cancer and in two suspected hereditary breast and ovarian cancer families (PMID: 18273839, 17453335, 33471991; Leiden Open Variation Database DB-ID BRCA1_001781). A multifactorial analysis has reported co-occurrence and family history likelihood ratios for pathogenicity of 1.0673 and 0.7136, respectively (PMID: 31131967). This variant has been identified in 1/250194 chromosomes in the general population by the Genome Aggregation Database (gnomAD). The available evidence is insufficient to determine the role of this variant in disease conclusively. Therefore, this variant is classified as a Variant of Uncertain Significance.

This study involves interpretation of variants in research participants for the purpose of population health screening. Participant phenotype was not available at the time of variant classification. Additional details can be found in publication PMID: 35346344, PMCID: PMC8962531

Color Diagnostics, LLC DBA Color Health
Classification: Uncertain significance for Hereditary cancer-predisposing syndrome. Last evaluated: 2024-05-09. Review status: criteria provided, single submitter. Criteria: ACMG Guidelines, 2015. Collection method: clinical testing. Allele origin: germline.
Comment: This missense variant replaces alanine with valine at codon 524 of the BRCA1 protein. Computational prediction is inconclusive regarding the impact of this variant on protein structure and function To our knowledge, functional studies have not been reported for this variant. This variant has been reported in at least one individual affected with breast cancer and in two suspected hereditary breast and ovarian cancer families (PMID: 18273839, 17453335, 33471991; Leiden Open Variation Database DB-ID BRCA1_001781). A multifactorial analysis has reported co-occurrence and family history likelihood ratios for pathogenicity of 1.0673 and 0.7136, respectively (PMID: 31131967). This variant has been identified in 1/250194 chromosomes in the general population by the Genome Aggregation Database (gnomAD). The available evidence is insufficient to determine the role of this variant in disease conclusively. Therefore, this variant is classified as a Variant of Uncertain Significance.